The following is an entry in ClinVar:

NM_025144.4(ALPK1):c.1894G>C (p.Asp632His)

Gene: ALPK1 (alpha kinase 1; plus strand). Cytogenetic location: 4q25.
Variant type: single nucleotide variant.
Coding change: c.1894G>C on transcript NM_025144.4 (MANE Select); coding-DNA position 1894, G replaced by C.
Protein change: p.Asp632His; replaces aspartic acid 632 with histidine.
Molecular consequence: missense variant.
Genome position (GRCh38, 1-based): chr4:112,431,441, G>C. VCF-style: chr4-112431441-G-C. GRCh37 (hg19) VCF-style: chr4-113352597-G-C.
Other names: c.1894G>C, p.Asp632His (NM_001102406.2); c.1660G>C, p.Asp554His (NM_001253884.2); c.1894G>C (NM_001102406.1); short protein forms D554H, D632H.
Identifiers: ClinVar variation 2071171 (VCV002071171.6), dbSNP rs184504248, ClinGen allele CA3046822.

ClinVar aggregate classification (germline): Benign. Review status: criteria provided, single submitter (1 of 4 stars). 2 submissions from 2 submitters: Benign (1). 1 of the submissions does not count toward it. Last evaluated 2026-01-19.

Conditions:
ALPK1-related disorder. Also called: ALPK1-related condition.

Allele frequency attached by ClinVar (database versions not stated): 1000 Genomes Project 0.00040; 1000 Genomes Project 30x 0.00047.
gnomAD v4.1: 107 of 1,614,212 alleles (0.0066%); highest among the groups gnomAD compares: East Asian, 0.22%; 1 homozygote.

Submissions (2):

Labcorp Genetics (formerly Invitae), Labcorp
Classification: Benign. Last evaluated: 2026-01-19. Review status: criteria provided, single submitter. Criteria: Invitae Variant Classification Sherloc (09022015). Collection method: clinical testing. Allele origin: germline.

PreventionGenetics, part of Exact Sciences
Classification: Likely benign for ALPK1-related condition. Last evaluated: 2023-12-06. Review status: no assertion criteria provided. Collection method: clinical testing. Allele origin: germline. Not counted in ClinVar's aggregate classification.
Comment: This variant is classified as likely benign based on ACMG/AMP sequence variant interpretation guidelines (Richards et al. 2015 PMID: 25741868, with internal and published modifications).